The following is an entry in ClinVar:

ClinVar aggregate classification (germline): Uncertain significance (1 of 4 stars; one submission).

Submission:

GeneDx
Classification: Uncertain significance. Last evaluated: 2025-10-17. Review status: criteria provided, single submitter. Criteria: GeneDx Variant Classification Process June 2021. Collection method: clinical testing. Allele origin: germline.
Comment: Not observed at significant frequency in large population cohorts (gnomAD); In silico analysis supports that this missense variant has a deleterious effect on protein structure/function; Has not been previously published as pathogenic or benign to our knowledge

NM_001393769.1(MED12L):c.547C>A (p.Pro183Thr)

Gene: MED12L (mediator complex subunit 12L; plus strand). Cytogenetic location: 3q25.1.
Variant type: single nucleotide variant.
Coding change: c.547C>A on transcript NM_001393769.1 (MANE Select); coding-DNA position 547, C replaced by A.
Protein change: p.Pro183Thr; replaces proline 183 with threonine.
Molecular consequence: missense variant.
Genome position (GRCh38, 1-based): chr3:151,127,975, C>A. VCF-style: chr3-151127975-C-A. GRCh37 (hg19) VCF-style: chr3-150845762-C-A.
Other names: c.547C>A, p.Pro183Thr (NM_053002.6); short protein forms P183T.
Identifiers: ClinVar variation 3369620 (VCV003369620.2).